The following is an entry in ClinVar:

NM_001244926.2(PRPF4):c.910G>A (p.Val304Met)

Gene: PRPF4 (pre-mRNA splicing tri-snRNP complex factor PRPF4; plus strand). Cytogenetic location: 9q32.
Variant type: single nucleotide variant.
Coding change: c.910G>A on transcript NM_001244926.2 (MANE Select); coding-DNA position 910, G replaced by A.
Protein change: p.Val304Met; replaces valine 304 with methionine.
Molecular consequence: missense variant. On other transcripts: non-coding transcript variant (2).
Genome position (GRCh38, 1-based): chr9:113,286,806, G>A. VCF-style: chr9-113286806-G-A. GRCh37 (hg19) VCF-style: chr9-116049086-G-A.
Other names: c.184G>A, p.Val62Met (NM_001322266.2, NM_001322267.2); c.913G>A, p.Val305Met (NM_004697.5); short protein forms V304M, V62M, V305M.
Identifiers: ClinVar variation 3425755 (VCV003425755.3).

ClinVar aggregate classification (germline): Uncertain significance. Review status: criteria provided, multiple submitters, no conflicts (2 of 4 stars). 2 submissions from 2 submitters: Uncertain significance (2). Last evaluated 2024-08-12.

gnomAD v4.1: 15 of 1,614,206 alleles (0.00093%); highest among the groups gnomAD compares: South Asian, 0.0088%; no homozygotes.

Submissions (2):

Ambry Genetics
Classification: Uncertain significance. Last evaluated: 2024-08-12. Review status: criteria provided, single submitter. Criteria: Ambry Variant Classification Scheme 2023. Collection method: clinical testing. Allele origin: germline.

Labcorp Genetics (formerly Invitae), Labcorp
Classification: Uncertain significance. Last evaluated: 2024-06-20. Review status: criteria provided, single submitter. Criteria: Invitae Variant Classification Sherloc (09022015). Collection method: clinical testing. Allele origin: germline.
Comment: This sequence change replaces valine, which is neutral and non-polar, with methionine, which is neutral and non-polar, at codon 305 of the PRPF4 protein (p.Val305Met). This variant is not present in population databases (gnomAD no frequency). This variant has not been reported in the literature in individuals affected with PRPF4-related conditions. An algorithm developed to predict the effect of missense changes on protein structure and function (PolyPhen-2) suggests that this variant is likely to be disruptive. In summary, the available evidence is currently insufficient to determine the role of this variant in disease. Therefore, it has been classified as a Variant of Uncertain Significance.